The following is an entry in ClinVar:

NM_001110556.2(FLNA):c.1910C>T (p.Pro637Leu)

Gene: FLNA (filamin A; minus strand). Cytogenetic location: Xq28.
Variant type: single nucleotide variant.
Coding change: c.1910C>T on transcript NM_001110556.2 (MANE Select); coding-DNA position 1910, C replaced by T.
Protein change: p.Pro637Leu; replaces proline 637 with leucine.
Molecular consequence: missense variant.
Genome position (GRCh38, 1-based): chrX:154,364,638, G>A on the plus strand (C>T on the coding strand, the complement: FLNA is on the minus strand). VCF-style: chrX-154364638-G-A. GRCh37 (hg19) VCF-style: chrX-153593006-G-A.
Other names: c.1910C>T, p.Pro637Leu (NM_001456.4); short protein forms P637L.
Identifiers: ClinVar variation 931568 (VCV000931568.4), dbSNP rs267606815, ClinGen allele CA10561050.
Genomic context (GRCh38, chrX:154,364,638, plus strand): 5'-CTGAGGCGGATGTCTTCGCTGTTGCACAGCACGTGAACGGCATACTCGCCAGCCTCCTGC[G>A]GCCAGTAGCGCACATCACAGGAGCCGTCGCCCTTGTCGTCACATTCGATCTTAGCCTGCG-3'
Protein context (NP_001104026.1, residues 627-647): GDGSCDVRYW[Pro637Leu]QEAGEYAVHV

ClinVar aggregate classification (germline): Conflicting classifications of pathogenicity. Review status: criteria provided, conflicting classifications (1 of 4 stars). 2 submissions from 2 submitters: Pathogenic (1); Uncertain significance (1). Last evaluated 2025-08-26.

Conditions:
Cardiac valvular dysplasia, X-linked (CVDPX). Also called: Isolated X-Linked Cardiac Valvular Dysplasia; MYXOMATOUS VALVULAR DYSTROPHY, X-LINKED; VALVULAR HEART DISEASE, CONGENITAL; Congenital valvular dysplasia; FLNA-Related X-linked Cardiac Valvular Dysplasia. Identifiers: Orphanet 1864, Orphanet 555877, Orphanet 75497, MedGen C0262436, MONDO:0010753, OMIM 314400.
Frontometaphyseal dysplasia (FMD1). Identifiers: Orphanet 1826, MedGen C0265293, MONDO:0015942.
Heterotopia, periventricular, X-linked dominant (PVNH1). Also called: PERIVENTRICULAR NODULAR HETEROTOPIA 1; X-linked periventricular heterotopia; PERIVENTRICULAR NODULAR HETEROTOPIA 4; HETEROTOPIA, PERIVENTRICULAR, 1. Identifiers: Orphanet 2149, Orphanet 82004, MedGen C1848213, MONDO:0010233, OMIM 300049.
Melnick-Needles syndrome (MNS). Also called: MELNICK-NEEDLES OSTEODYSPLASTY; OSTEODYSPLASTY OF MELNICK AND NEEDLES; Melnick-Needles Syndrome (FLNA-MNS). Identifiers: Orphanet 2484, MedGen C0025237, MONDO:0010650, OMIM 309350.
Oto-palato-digital syndrome, type II (OPD2). Also called: OPD II SYNDROME; FACIOPALATOOSSEOUS SYNDROME; Otopalatodigital Syndrome Type 2 (FLNA-OPD2); Otopalatodigital Syndrome, Type II. Identifiers: Orphanet 669, Orphanet 90652, MedGen C1844696, MONDO:0010571, OMIM 304120.

Allele frequency attached by ClinVar (database versions not stated): ExAC 0.00001; gnomAD exomes 0.00001.
gnomAD v4.1: 4 of 1,210,710 alleles (0.00033%); highest among the groups gnomAD compares: South Asian, 0.0035%; no homozygotes.

Submissions (2):

Labcorp Genetics (formerly Invitae), Labcorp
Classification: Uncertain significance for Oto-palato-digital syndrome, type II; Heterotopia, periventricular, X-linked dominant; Frontometaphyseal dysplasia; Melnick-Needles syndrome. Last evaluated: 2025-08-26. Review status: criteria provided, single submitter. Criteria: Invitae Variant Classification Sherloc (09022015). Collection method: clinical testing. Allele origin: germline.
Comment: This sequence change replaces proline, which is neutral and non-polar, with leucine, which is neutral and non-polar, at codon 637 of the FLNA protein (p.Pro637Leu). This variant is present in population databases (rs267606815, gnomAD 0.001%). This variant has not been reported in the literature in individuals affected with FLNA-related conditions. ClinVar contains an entry for this variant (Variation ID: 931568). Invitae Evidence Modeling of protein sequence and biophysical properties (such as structural, functional, and spatial information, amino acid conservation, physicochemical variation, residue mobility, and thermodynamic stability) has been performed for this missense variant. However, the output from this modeling did not meet the statistical confidence thresholds required to predict the impact of this variant on FLNA protein function. This variant disrupts the p.Pro637Gln amino acid residue in FLNA. Other variant(s) that disrupt this residue have been determined to be pathogenic (PMID: 17190868, 24200678). This suggests that this residue is clinically significant, and that variants that disrupt this residue are likely to be disease-causing. In summary, the available evidence is currently insufficient to determine the role of this variant in disease. Therefore, it has been classified as a Variant of Uncertain Significance.

Centre for Mendelian Genomics, University Medical Centre Ljubljana
Classification: Pathogenic for Cardiac valvular dysplasia, X-linked. Last evaluated: 2016-01-01. Review status: criteria provided, single submitter. Criteria: ACMG Guidelines, 2015. Collection method: clinical testing. Allele origin: unknown. Affected: yes.
Comment: This variant was classified as: Pathogenic. This variant was detected in hemizygous state.

Literature cited by the submitters: PubMed 17190868 (cited by Labcorp Genetics (formerly Invitae), Labcorp); PubMed 24200678 (cited by Labcorp Genetics (formerly Invitae), Labcorp).